The following is an entry in ClinVar:

NM_006186.4(NR4A2):c.537G>C (p.Lys179Asn)

Gene: NR4A2 (nuclear receptor subfamily 4 group A member 2; minus strand). Cytogenetic location: 2q24.1.
Variant type: single nucleotide variant.
Coding change: c.537G>C on transcript NM_006186.4 (MANE Select); coding-DNA position 537, G replaced by C.
Protein change: p.Lys179Asn; replaces lysine 179 with asparagine.
Molecular consequence: missense variant.
Genome position (GRCh38, 1-based): chr2:156,329,650, C>G on the plus strand (G>C on the coding strand, the complement: NR4A2 is on the minus strand). VCF-style: chr2-156329650-C-G. GRCh37 (hg19) VCF-style: chr2-157186162-C-G.
Other names: HZF-3; NOR; NURR1; RNR1; TINUR; c.348G>C, p.Lys116Asn (NM_173173.3); short protein forms K116N, K179N.
Identifiers: ClinVar variation 3338475 (VCV003338475.2).

ClinVar aggregate classification (germline): Uncertain significance (1 of 4 stars; one submission).

Conditions:
Intellectual developmental disorder with language impairment and early-onset DOPA-responsive dystonia-parkinsonism (IDLDP). Identifiers: Orphanet 660017, MedGen C5677001, MONDO:0859257, OMIM 619911.

Submission:

Center Lab, King Abdulaziz University
Classification: Uncertain significance for Intellectual developmental disorder with language impairment and early-onset DOPA-responsive dystonia-parkinsonism. Last evaluated: 2024-08-18. Review status: criteria provided, single submitter. Criteria: ACMG Guidelines, 2015. Collection method: case-control. Allele origin: de novo. Inheritance: Autosomal dominant inheritance. Affected: yes. Observed: 1 heterozygote.
Comment: The NM_006186.4(NR4A2):c.537G>C(p.Lys179Asn) variant causes a missense change involving the alteration of a non-conserved nucleotide. The variant got 2ACMG points: 2P and 0B. Criteria applied: PM2 (moderate), PP2 (supporting). The variant was absent in control chromosomes in GnomAD project, but several computational analysis of this variant provided a considerable potential for pathogenicity (AlphaMissense score = 0.93, CADD score = 27, PrimateAI score=0.83); however, SIFT4G and PolyPhen scores (0.33 and 0.89; respectively) predicted no deleterious effect of this variant.

Literature cited by the submitters: PubMed 38440907.